The following is an entry in ClinVar:

NM_005585.5(SMAD6):c.1041_1042del (p.Ala348fs)

Gene: SMAD6 (SMAD family member 6; plus strand). Cytogenetic location: 15q22.31.
Variant type: Deletion.
Coding change: c.1041_1042del on transcript NM_005585.5 (MANE Select); coding-DNA positions 1041 to 1042, 2 bases deleted (TG; older notation c.1041_1042delTG).
Protein change: p.Ala348fs; shifts the reading frame from alanine 348.
Molecular consequence: frameshift variant. On other transcripts: non-coding transcript variant (1).
Genome position (GRCh38, 1-based): chr15:66,781,085-66,781,086, TG deleted. VCF-style (leftmost placement, unchanged base first): chr15-66781084-ATG-A. GRCh37 (hg19) VCF-style: chr15-67073422-ATG-A.
Other names: short protein forms A348fs.
Identifiers: ClinVar variation 1036202 (VCV001036202.6), dbSNP rs1894554671, ClinGen allele CA2184234686.

ClinVar aggregate classification (germline): Uncertain significance (1 of 4 stars; one submission).

Conditions:
Aortic valve disease 2 (AOVD2). Identifiers: MedGen C3542024, MONDO:0013902, OMIM 614823.

Submission:

Labcorp Genetics (formerly Invitae), Labcorp
Classification: Uncertain significance for Aortic valve disease 2. Last evaluated: 2020-06-01. Review status: criteria provided, single submitter. Criteria: Invitae Variant Classification Sherloc (09022015). Collection method: clinical testing. Allele origin: germline.
Comment: Experimental studies and prediction algorithms are not available or were not evaluated, and the functional significance of this variant is currently unknown. In summary, the available evidence is currently insufficient to determine the role of this variant in disease. Therefore, it has been classified as a Variant of Uncertain Significance. This variant has not been reported in the literature in individuals with SMAD6-related conditions. This variant is not present in population databases (ExAC no frequency). This sequence change results in a frameshift in the SMAD6 gene (p.Ala348Glyfs*216). While this is not anticipated to result in nonsense mediated decay, it is expected to disrupt the last 149 amino acids of the SMAD6 protein and extend the protein by an additional 66 amino acids.